The following is an entry in ClinVar:

ClinVar aggregate classification (germline): Uncertain significance (1 of 4 stars; one submission).

Conditions:
Autoinflammatory disease, X-linked. Also called: AUTOINFLAMMATORY DISEASE, SYSTEMIC, X-LINKED. Identifiers: Orphanet 699605, MedGen C5676885, MONDO:0800129, OMIM 301081.

Submission:

Laboratorio de Genetica e Diagnostico Molecular, Hospital Israelita Albert Einstein
Classification: Uncertain significance for Autoinflammatory disease, X-linked. Last evaluated: 2022-12-15. Review status: criteria provided, single submitter. Criteria: ACMG Guidelines, 2015. Collection method: clinical testing. Allele origin: germline. Affected: yes. Observed: 1 variant allele.
Comment: ACMG classification criteria: PM2 moderated

NM_001099857.5(IKBKG):c.51T>C (p.Ser17=)

Gene: IKBKG (inhibitor of nuclear factor kappa B kinase regulatory subunit gamma; plus strand). Cytogenetic location: Xq28.
Variant type: single nucleotide variant.
Coding change: c.51T>C on transcript NM_001099857.5 (MANE Select); coding-DNA position 51, T replaced by C.
Protein change: p.Ser17=; no amino-acid change (serine 17 retained).
Molecular consequence: synonymous variant. On other transcripts: non-coding transcript variant (1).
Genome position (GRCh38, 1-based): chrX:154,552,053, T>C. VCF-style: chrX-154552053-T-C. GRCh37 (hg19) VCF-style: chrX-153780268-T-C.
Other names: c.255T>C, p.Ser85= (NM_001099856.6); c.51T>C, p.Ser17= (NM_001145255.4, NM_001321396.3, NM_001321397.3 and 5 more transcripts).
Identifiers: ClinVar variation 2431822 (VCV002431822.1), dbSNP rs2070947044, ClinGen allele CA519282936.